The following is an entry in ClinVar:

NM_001349338.3(FOXP1):c.1214A>G (p.His405Arg)

Gene: FOXP1 (forkhead box P1; minus strand). Cytogenetic location: 3p13.
Variant type: single nucleotide variant.
Coding change: c.1214A>G on transcript NM_001349338.3 (MANE Select); coding-DNA position 1214, A replaced by G.
Protein change: p.His405Arg; replaces histidine 405 with arginine.
Molecular consequence: missense variant. On other transcripts: non-coding transcript variant (2).
Genome position (GRCh38, 1-based): chr3:70,977,962, T>C on the plus strand (A>G on the coding strand, the complement: FOXP1 is on the minus strand). VCF-style: chr3-70977962-T-C. GRCh37 (hg19) VCF-style: chr3-71027113-T-C.
Other names: c.911A>G, p.His304Arg (NM_001349343.3, NM_001349344.3, NM_001349337.2); c.914A>G, p.His305Arg (NM_001370548.1, NM_001244813.3, NM_001244815.2 and 1 more transcripts); c.1214A>G, p.His405Arg (NM_032682.6, NM_001244808.3, NM_001244810.2 and 4 more transcripts); c.986A>G, p.His329Arg (NM_001244812.3); c.1211A>G, p.His404Arg (NM_001349341.3); short protein forms H329R, H405R, H304R, H404R, H305R.
Identifiers: ClinVar variation 2849894 (VCV002849894.3), dbSNP rs2545125467, ClinGen allele CA353494039.
Genomic context (GRCh38, chr3:70,977,962, plus strand): 5'-GTGATGACAGAGGGGCCTTGGGTGACGGGAGTCAGGGGGGCGGTTGGGGTCGTTGGAGTA[T>C]GAGGTAAGCTCTGTGGAGAAGCCTCCGATGCGGACTTGGAGAGAGTGACACTTGATACCA-3'
Protein context (NP_001336267.1, residues 395-415): ASEASPQSLP[His405Arg]TPTTPTAPLT

ClinVar aggregate classification (germline): Uncertain significance (1 of 4 stars; one submission).

Submission:

Labcorp Genetics (formerly Invitae), Labcorp
Classification: Uncertain significance. Last evaluated: 2023-06-30. Review status: criteria provided, single submitter. Criteria: Invitae Variant Classification Sherloc (09022015). Collection method: clinical testing. Allele origin: germline.
Comment: This sequence change replaces histidine, which is basic and polar, with arginine, which is basic and polar, at codon 405 of the FOXP1 protein (p.His405Arg). This variant is not present in population databases (gnomAD no frequency). This variant has not been reported in the literature in individuals affected with FOXP1-related conditions. Advanced modeling of protein sequence and biophysical properties (such as structural, functional, and spatial information, amino acid conservation, physicochemical variation, residue mobility, and thermodynamic stability) performed at Invitae indicates that this missense variant is not expected to disrupt FOXP1 protein function. In summary, the available evidence is currently insufficient to determine the role of this variant in disease. Therefore, it has been classified as a Variant of Uncertain Significance.